The following is an entry in ClinVar:

NM_000112.4(SLC26A2):c.2004_2007del (p.Glu669fs)

Gene: SLC26A2 (solute carrier family 26 member 2; plus strand). Cytogenetic location: 5q32.
Variant type: Deletion.
Coding change: c.2004_2007del on transcript NM_000112.4 (MANE Select); coding-DNA positions 2004 to 2007, 4 bases deleted (AGAA; older notation c.2004_2007delAGAA).
Protein change: p.Glu669fs; shifts the reading frame from glutamic acid 669.
Molecular consequence: frameshift variant.
Genome position (GRCh38, 1-based): chr5:149,981,597-149,981,600, AGAA deleted; deleting any 4 consecutive bases within chr5:149,981,594-149,981,600 gives the same sequence; the c. name uses the placement nearest the transcript's 3' end. VCF-style (leftmost placement, unchanged base first): chr5-149981593-TGAAA-T. GRCh37 (hg19) VCF-style: chr5-149361156-TGAAA-T.
Other names: short protein forms E669fs.
Identifiers: ClinVar variation 1419742 (VCV001419742.8), dbSNP rs1255552826, ClinGen allele CA563955710.

ClinVar aggregate classification (germline): Pathogenic (1 of 4 stars; one submission).

Conditions:
Diastrophic dysplasia (DTD). Also called: Diastrophic dwarfism. Identifiers: Orphanet 628, MedGen C0220726, MONDO:0009107, OMIM 222600.
Atelosteogenesis type II (AO2). Also called: NEONATAL OSSEOUS DYSPLASIA I; Neonatal osseous dysplasia 1; SLC26A2-Related Atelosteogenesis. Identifiers: Orphanet 56304, MedGen C1850554, MONDO:0009727, OMIM 256050.
Multiple epiphyseal dysplasia type 4 (EDM4). Also called: Multiple Epiphyseal Dysplasia, Recessive; MULTIPLE EPIPHYSEAL DYSPLASIA WITH BILAYERED PATELLAE; MULTIPLE EPIPHYSEAL DYSPLASIA WITH CLUBFOOT; MULTIPLE EPIPHYSEAL DYSPLASIA, AUTOSOMAL RECESSIVE; SLC26A2-Related Multiple Epiphyseal Dysplasia. Identifiers: Orphanet 93307, MedGen C1847593, MONDO:0009189, OMIM 226900.
Achondrogenesis, type IB (ACG1B). Also called: Achondrogenesis Type 1B. Identifiers: Orphanet 932, Orphanet 93298, MedGen C0265274, MONDO:0010966, OMIM 600972.

Submission:

Labcorp Genetics (formerly Invitae), Labcorp
Classification: Pathogenic for Atelosteogenesis type II; Multiple epiphyseal dysplasia type 4; Achondrogenesis, type IB; Diastrophic dysplasia. Last evaluated: 2021-04-14. Review status: criteria provided, single submitter. Criteria: Invitae Variant Classification Sherloc (09022015). Collection method: clinical testing. Allele origin: germline.
Comment: For these reasons, this variant has been classified as Pathogenic. This variant disrupts the C-terminus of the SLC26A2 protein. Other variant(s) that disrupt this region (p.Thr689Serfs*22) have been determined to be pathogenic (Invitae). This suggests that variants that disrupt this region of the protein are likely to be causative of disease. This variant has not been reported in the literature in individuals with SLC26A2-related conditions. This variant is not present in population databases (ExAC no frequency). This sequence change creates a premature translational stop signal (p.Glu669Phefs*21) in the SLC26A2 gene. While this is not anticipated to result in nonsense mediated decay, it is expected to disrupt the last 71 amino acid(s) of the SLC26A2 protein.